The following is an entry in ClinVar:

ClinVar aggregate classification (germline): Pathogenic (1 of 4 stars; one submission).

Submission:

Labcorp Genetics (formerly Invitae), Labcorp
Classification: Pathogenic. Last evaluated: 2022-05-03. Review status: criteria provided, single submitter. Criteria: Invitae Variant Classification Sherloc (09022015). Collection method: clinical testing. Allele origin: germline.
Comment: This variant has not been reported in the literature in individuals affected with EYS-related conditions. This variant is present in population databases (no rsID available, gnomAD 0.004%). This sequence change creates a premature translational stop signal (p.Arg1463Alafs*2) in the EYS gene. It is expected to result in an absent or disrupted protein product. Loss-of-function variants in EYS are known to be pathogenic (PMID: 18836446, 20333770). For these reasons, this variant has been classified as Pathogenic.

Literature cited by the submitters: PubMed 18836446; PubMed 20333770.

NM_001142800.2(EYS):c.4386_4387insGCCT (p.Arg1463delinsAlaTer)

Gene: EYS (EGF-like photoreceptor maintenance factor; minus strand). Cytogenetic location: 6q12.
Variant type: Insertion.
Coding change: c.4386_4387insGCCT on transcript NM_001142800.2 (MANE Select); coding-DNA positions 4386 to 4387, GCCT inserted.
Protein change: p.Arg1463delinsAlaTer.
Molecular consequence: nonsense.
Genome position: GRCh38 VCF-style: chr6-64591480-T-TAGGC. GRCh37 (hg19) VCF-style: chr6-65301373-T-TAGGC.
Other names: c.4386_4387insGCCT, p.Arg1463delinsAlaTer (NM_001292009.2).
Identifiers: ClinVar variation 1968569 (VCV001968569.5), dbSNP rs1315159982, ClinGen allele CA568119152.